The following is an entry in ClinVar:

NM_022765.4(MICAL1):c.2675C>T (p.Ala892Val)

Gene: MICAL1 (microtubule associated monooxygenase, calponin and LIM domain containing 1; minus strand). Cytogenetic location: 6q21.
Variant type: single nucleotide variant.
Coding change: c.2675C>T on transcript NM_022765.4 (MANE Select); coding-DNA position 2675, C replaced by T.
Protein change: p.Ala892Val; replaces alanine 892 with valine.
Molecular consequence: missense variant.
Genome position (GRCh38, 1-based): chr6:109,445,528, G>A on the plus strand (C>T on the coding strand, the complement: MICAL1 is on the minus strand). VCF-style: chr6-109445528-G-A. GRCh37 (hg19) VCF-style: chr6-109766731-G-A.
Other names: c.2417C>T, p.Ala806Val (NM_001159291.2); c.2732C>T, p.Ala911Val (NM_001286613.2); short protein forms A892V, A911V, A806V.
Identifiers: ClinVar variation 1907560 (VCV001907560.6), dbSNP rs771733625, ClinGen allele CA3952798.
Genomic context (GRCh38, chr6:109,445,528, plus strand): 5'-GTCCGACGCCATGTTGGGTAGTTATTCATGGTGCCTGAGGTCTTGGCAAAGGTCTGCAGG[G>A]CCTATAGGAGGGTCAGGCCAGTCAGGGATAGGGCCTGGGCCCCCTGGTGGATAGGAGTGT-3'
Protein context (NP_073602.3, residues 882-902): DVPLDSDVEQ[Ala892Val]LQTFAKTSGT

ClinVar aggregate classification (germline): Uncertain significance. Review status: criteria provided, multiple submitters, no conflicts (2 of 4 stars). 2 submissions from 2 submitters: Uncertain significance (2). Last evaluated 2024-11-28.

Allele frequency attached by ClinVar (database versions not stated): gnomAD 0.00001; gnomAD exomes 0.00001; ExAC 0.00003.
gnomAD v4.1: 17 of 1,613,922 alleles (0.0011%); highest among the groups gnomAD compares: Middle Eastern, 0.033%; no homozygotes.

Submissions (2):

Labcorp Genetics (formerly Invitae), Labcorp
Classification: Uncertain significance. Last evaluated: 2024-11-28. Review status: criteria provided, single submitter. Criteria: Invitae Variant Classification Sherloc (09022015). Collection method: clinical testing. Allele origin: germline.
Comment: This sequence change replaces alanine, which is neutral and non-polar, with valine, which is neutral and non-polar, at codon 911 of the MICAL1 protein (p.Ala911Val). This variant is present in population databases (rs771733625, gnomAD 0.01%). This variant has not been reported in the literature in individuals affected with MICAL1-related conditions. ClinVar contains an entry for this variant (Variation ID: 1907560). An algorithm developed to predict the effect of missense changes on protein structure and function outputs the following: PolyPhen-2: "Benign". The valine amino acid residue is found in multiple mammalian species, which suggests that this missense change does not adversely affect protein function. In summary, the available evidence is currently insufficient to determine the role of this variant in disease. Therefore, it has been classified as a Variant of Uncertain Significance.

Ambry Genetics
Classification: Uncertain significance. Last evaluated: 2022-01-27. Review status: criteria provided, single submitter. Criteria: Ambry Variant Classification Scheme 2023. Collection method: clinical testing. Allele origin: germline.